The following is an entry in ClinVar:

NM_000492.4(CFTR):c.2342A>G (p.Gln781Arg)

Gene: CFTR (CF transmembrane conductance regulator; plus strand). Cytogenetic location: 7q31.2.
Variant type: single nucleotide variant.
Coding change: c.2342A>G on transcript NM_000492.4 (MANE Select); coding-DNA position 2342, A replaced by G.
Protein change: p.Gln781Arg; replaces glutamine 781 with arginine.
Molecular consequence: missense variant.
Genome position (GRCh38, 1-based): chr7:117,592,509, A>G. VCF-style: chr7-117592509-A-G. GRCh37 (hg19) VCF-style: chr7-117232563-A-G.
Other names: short protein forms Q781R.
Identifiers: ClinVar variation 1789884 (VCV001789884.2), dbSNP rs2116033074, ClinGen allele CA368981017.
Genomic context (GRCh38, chr7:117,592,509, plus strand): 5'-TTCAGGCACGAAGGAGGCAGTCTGTCCTGAACCTGATGACACACTCAGTTAACCAAGGTC[A>G]GAACATTCACCGAAAGACAACAGCATCCACACGAAAAGTGTCACTGGCCCCTCAGGCAAA-3'
Protein context (NP_000483.3, residues 771-791): NLMTHSVNQG[Gln781Arg]NIHRKTTAST

ClinVar aggregate classification (germline): Uncertain significance (1 of 4 stars; one submission).

Conditions:
Cystic fibrosis (CF). Also called: MUCOVISCIDOSIS. Identifiers: Orphanet 586, MedGen C0010674, MONDO:0009061, OMIM 219700. Disease mechanism: loss of function.

Allele frequency attached by ClinVar (database versions not stated): gnomAD exomes below 0.00001.
gnomAD v4.1: 1 of 1,534,002 alleles (0.000065%); highest among the groups gnomAD compares: Non-Finnish European, 0.000087%; no homozygotes.

Submission:

Ambry Genetics
Classification: Uncertain significance for Cystic fibrosis. Last evaluated: 2022-07-19. Review status: criteria provided, single submitter. Criteria: Ambry Variant Classification Scheme 2023. Collection method: clinical testing. Allele origin: germline.
Comment: The p.Q781R variant (also known as c.2342A>G), located in coding exon 14 of the CFTR gene, results from an A to G substitution at nucleotide position 2342. The glutamine at codon 781 is replaced by arginine, an amino acid with highly similar properties. This amino acid position is conserved. In addition, the in silico prediction for this alteration is inconclusive. Since supporting evidence is limited at this time, the clinical significance of this alteration remains unclear.